The following is an entry in ClinVar:

NM_004360.5(CDH1):c.49-8C>T

Gene: CDH1 (cadherin 1; plus strand). Cytogenetic location: 16q22.1.
Variant type: single nucleotide variant.
Coding change: c.49-8C>T on transcript NM_004360.5 (MANE Select); 8 bases into the intron before coding-DNA position 49, C replaced by T.
Molecular consequence: intron variant.
Genome position (GRCh38, 1-based): chr16:68,738,289, C>T. VCF-style: chr16-68738289-C-T. GRCh37 (hg19) VCF-style: chr16-68772192-C-T.
Other names: c.49-8C>T (LRG_301t1, NM_001317184.2); c.-1567-8C>T (NM_001317185.2); c.-1771-8C>T (NM_001317186.2).
Identifiers: ClinVar variation 387465 (VCV000387465.20), dbSNP rs774761552, ClinGen allele CA16608223.

ClinVar aggregate classification (germline): Likely benign. Review status: reviewed by expert panel (3 of 4 stars). 6 submissions from 6 submitters: Likely benign (1). 5 of the submissions do not count toward it. Last evaluated 2023-08-17.

Conditions:
CDH1-related diffuse gastric and lobular breast cancer syndrome. Also called: CDH1-related diffuse gastric and lobular breast cancer. Identifiers: MedGen CN311521, MONDO:0100488.
Hereditary cancer-predisposing syndrome. Also called: Neoplastic Syndromes, Hereditary; Hereditary neoplastic syndrome; Tumor predisposition; Hereditary Cancer Syndrome. Identifiers: Orphanet 140162, MedGen C0027672, MeSH D009386, MONDO:0015356.
Hereditary diffuse gastric adenocarcinoma (HDGC). Also called: DIFFUSE GASTRIC AND LOBULAR BREAST CANCER SYNDROME. Identifiers: Orphanet 26106, MedGen C1708349, MONDO:0007648, OMIM 137215.

gnomAD v4.1: 36 of 1,532,426 alleles (0.0023%); highest among the groups gnomAD compares: Non-Finnish European, 0.0032%; no homozygotes.

Submissions (6):

Clingen Gastric Cancer Variant Curation Expert Panel
Classification: Likely benign for CDH1-related diffuse gastric and lobular breast cancer syndrome. Last evaluated: 2023-08-17. Review status: reviewed by expert panel. Criteria: ClinGen CDH1 ACMG Specifications V3.1. Collection method: curation. Allele origin: germline. Inheritance: Autosomal dominant inheritance.
Comment: The c.49-8C>T is an intronic variant in the splice acceptor region of intron 1. This variant has an allele frequency of 0.00001 (2/150178) in gnomAD with a maximum frequency of 0.00003 (2/57282) in the European (Non-Finnish) sub-population. This variant has been reported in at least 12 individuals without DGC, SRC tumours or LBC and whose families do not suggest HDGC (BS2; SCV000529519.4, SCV000557406.3). This variant is predicted to have no impact on splicing by multiple in silico splice site predictors. HumanSpliceFinder predicts that this variant may create an exonic ESS site, but this effect has not been demonstrated experimentally to our knowledge (BP4). In summary, this variant meets criteria to be classified as likely benign based on ACMG/AMP criteria applied as specified by the CDH1 Variant Curation Expert Panel (Variant Interpretation Guidelines Version 3.1): BS2, BP4.

Labcorp Genetics (formerly Invitae), Labcorp
Classification: Likely benign for Hereditary diffuse gastric adenocarcinoma. Last evaluated: 2025-12-24. Review status: criteria provided, single submitter. Criteria: Invitae Variant Classification Sherloc (09022015). Collection method: clinical testing. Allele origin: germline. Not counted in ClinVar's aggregate classification.

Myriad Genetics, Inc.
Classification: Likely benign for Hereditary diffuse gastric adenocarcinoma. Last evaluated: 2024-09-11. Review status: criteria provided, single submitter. Criteria: Myriad Autosomal Dominant, Autosomal Recessive and X-Linked Classification Criteria (2023). Collection method: clinical testing. Allele origin: unknown. Not counted in ClinVar's aggregate classification.
Comment: This variant is considered likely benign. This variant is intronic and is not expected to impact mRNA splicing.

GeneDx
Classification: Likely benign. Last evaluated: 2020-06-03. Review status: criteria provided, single submitter. Criteria: GeneDx Variant Classification Process June 2021. Collection method: clinical testing. Allele origin: germline. Affected: yes. Not counted in ClinVar's aggregate classification.

Color Diagnostics, LLC DBA Color Health
Classification: Likely benign for Hereditary cancer-predisposing syndrome. Last evaluated: 2018-03-20. Review status: criteria provided, single submitter. Criteria: ACMG Guidelines, 2015. Collection method: clinical testing. Allele origin: germline. Not counted in ClinVar's aggregate classification.

Quest Diagnostics Nichols Institute San Juan Capistrano
Classification: Uncertain significance. Last evaluated: 2016-11-28. Review status: criteria provided, single submitter. Criteria: Quest Diagnostics criteria. Collection method: clinical testing. Allele origin: germline. Not counted in ClinVar's aggregate classification.